The following is an entry in ClinVar:

NM_198239.2(CCN6):c.250G>A (p.Glu84Lys)

Gene: CCN6 (cellular communication network factor 6; plus strand). Cytogenetic location: 6q21.
Variant type: single nucleotide variant.
Coding change: c.250G>A on transcript NM_198239.2 (MANE Select); coding-DNA position 250, G replaced by A.
Protein change: p.Glu84Lys; replaces glutamic acid 84 with lysine.
Molecular consequence: missense variant. On other transcripts: non-coding transcript variant (2).
Genome position (GRCh38, 1-based): chr6:112,061,192, G>A. VCF-style: chr6-112061192-G-A. GRCh37 (hg19) VCF-style: chr6-112382395-G-A.
Other names: c.250G>A, p.Glu84Lys (NM_003880.4); short protein forms E84K.
Identifiers: ClinVar variation 1913840 (VCV001913840.5), dbSNP rs1776510387, ClinGen allele CA365369508.

ClinVar aggregate classification (germline): Uncertain significance (1 of 4 stars; one submission).

Submission:

Labcorp Genetics (formerly Invitae), Labcorp
Classification: Uncertain significance. Last evaluated: 2024-08-14. Review status: criteria provided, single submitter. Criteria: Invitae Variant Classification Sherloc (09022015). Collection method: clinical testing. Allele origin: germline.
Comment: This sequence change replaces glutamic acid, which is acidic and polar, with lysine, which is basic and polar, at codon 84 of the WISP3 protein (p.Glu84Lys). This variant is not present in population databases (gnomAD no frequency). This variant has not been reported in the literature in individuals affected with WISP3-related conditions. ClinVar contains an entry for this variant (Variation ID: 1913840). Invitae Evidence Modeling of protein sequence and biophysical properties (such as structural, functional, and spatial information, amino acid conservation, physicochemical variation, residue mobility, and thermodynamic stability) indicates that this missense variant is not expected to disrupt WISP3 protein function with a negative predictive value of 80%. In summary, the available evidence is currently insufficient to determine the role of this variant in disease. Therefore, it has been classified as a Variant of Uncertain Significance.